The following is an entry in ClinVar:

NM_001242896.3(DEPDC5):c.3305C>T (p.Thr1102Ile)

Gene: DEPDC5 (DEP domain containing 5, GATOR1 subcomplex subunit; plus strand). Cytogenetic location: 22q12.3.
Variant type: single nucleotide variant.
Coding change: c.3305C>T on transcript NM_001242896.3 (MANE Select); coding-DNA position 3305, C replaced by T.
Protein change: p.Thr1102Ile; replaces threonine 1102 with isoleucine.
Molecular consequence: missense variant. On other transcripts: non-coding transcript variant (2), intron variant (5).
Genome position (GRCh38, 1-based): chr22:31,861,408, C>T. VCF-style: chr22-31861408-C-T. GRCh37 (hg19) VCF-style: chr22-32257394-C-T.
Other names: c.3278C>T, p.Thr1093Ile (NM_001136029.4); c.3071C>T, p.Thr1024Ile (NM_001363854.2, NM_001364319.2); c.3305C>T, p.Thr1102Ile (NM_001364318.2); c.3221C>T, p.Thr1074Ile (NM_001369901.1, NM_001369902.1); c.3237+3855C>T (NM_014662.6, NM_001369903.1); c.3264+3855C>T (NM_001363852.2, NM_001364320.2); c.3030+3855C>T (NM_001242897.2); short protein forms T1102I, T1024I, T1074I, T1093I.
Identifiers: ClinVar variation 407348 (VCV000407348.9), dbSNP rs528786894, ClinGen allele CA16616607.

ClinVar aggregate classification (germline): Uncertain significance. Review status: criteria provided, multiple submitters, no conflicts (2 of 4 stars). 2 submissions from 2 submitters: Uncertain significance (2). Last evaluated 2025-07-13.

Conditions:
Epilepsy, familial focal, with variable foci 1 (FFEVF1). Also called: DEPDC5-Related Epilepsy. Identifiers: MedGen C4551983, MONDO:0024556, OMIM 604364.
Familial focal epilepsy with variable foci (FPEVF). Identifiers: Orphanet 98820, MedGen C1858477, MONDO:0020310.

Allele frequency attached by ClinVar (database versions not stated): gnomAD 0.00001; 1000 Genomes Project 30x 0.00016; 1000 Genomes Project 0.00020.
gnomAD v4.1: 2 of 1,551,644 alleles (0.00013%); highest among the groups gnomAD compares: Admixed American, 0.0039%; no homozygotes.

Submissions (2):

Labcorp Genetics (formerly Invitae), Labcorp
Classification: Uncertain significance for Familial focal epilepsy with variable foci. Last evaluated: 2025-07-13. Review status: criteria provided, single submitter. Criteria: Invitae Variant Classification Sherloc (09022015). Collection method: clinical testing. Allele origin: germline.
Comment: This sequence change replaces threonine, which is neutral and polar, with isoleucine, which is neutral and non-polar, at codon 1102 of the DEPDC5 protein (p.Thr1102Ile). This variant is not present in population databases (gnomAD no frequency). This variant has not been reported in the literature in individuals affected with DEPDC5-related conditions. ClinVar contains an entry for this variant (Variation ID: 407348). Experimental studies and prediction algorithms are not available or were not evaluated, and the functional significance of this variant is currently unknown. In summary, the available evidence is currently insufficient to determine the role of this variant in disease. Therefore, it has been classified as a Variant of Uncertain Significance.

Illumina Laboratory Services, Illumina
Classification: Uncertain significance for Epilepsy, familial focal, with variable foci 1. Last evaluated: 2023-04-19. Review status: criteria provided, single submitter. Criteria: ICSLVariantClassificationCriteria RUGD 01 April 2020. Collection method: clinical testing. Allele origin: unknown.
Comment: The DEPDC5 c.3305C>T (p.Thr1102Ile) missense variant has not, to our knowledge, been reported in the peer-reviewed literature. This variant is not observed at a significant frequency in version 2.1.1 or version 3.1.2 of the Genome Aggregation Database. Based on the available evidence, the c.3305C>T (p.Thr1102Ile) variant is classified as a variant of uncertain significance for DEPDC5-related epilepsy.